The following is an entry in ClinVar:

ClinVar aggregate classification (germline): Uncertain significance. Review status: criteria provided, multiple submitters, no conflicts (2 of 4 stars). 2 submissions from 2 submitters: Uncertain significance (2). Last evaluated 2026-08-25.

Conditions:
Hereditary cancer-predisposing syndrome. Also called: Hereditary Cancer Syndrome; Neoplastic Syndromes, Hereditary; Hereditary neoplastic syndrome; Tumor predisposition. Identifiers: Orphanet 140162, MedGen C0027672, MeSH D009386, MONDO:0015356.

Submissions (2):

Ambry Genetics
Classification: Uncertain significance for Hereditary cancer-predisposing syndrome. Last evaluated: 2026-08-25. Review status: criteria provided, single submitter. Criteria: Ambry Variant Classification Scheme 2023. Collection method: clinical testing. Allele origin: germline.
Comment: The p.P32L variant (also known as c.95C>T), located in coding exon 1 of the HOXB13 gene, results from a C to T substitution at nucleotide position 95. The proline at codon 32 is replaced by leucine, an amino acid with similar properties. This amino acid position is not well conserved in available vertebrate species. In addition, this alteration is predicted to be tolerated by in silico analysis. Based on the available evidence, the clinical significance of this variant remains unclear.

Labcorp Genetics (formerly Invitae), Labcorp
Classification: Uncertain significance. Last evaluated: 2022-10-13. Review status: criteria provided, single submitter. Criteria: Invitae Variant Classification Sherloc (09022015). Collection method: clinical testing. Allele origin: germline.
Comment: This variant has not been reported in the literature in individuals affected with HOXB13-related conditions. This variant is not present in population databases (gnomAD no frequency). This sequence change replaces proline, which is neutral and non-polar, with leucine, which is neutral and non-polar, at codon 32 of the HOXB13 protein (p.Pro32Leu). ClinVar contains an entry for this variant (Variation ID: 1389924). In summary, the available evidence is currently insufficient to determine the role of this variant in disease. Therefore, it has been classified as a Variant of Uncertain Significance. Algorithms developed to predict the effect of missense changes on protein structure and function are either unavailable or do not agree on the potential impact of this missense change (SIFT: "Deleterious"; PolyPhen-2: "Benign"; Align-GVGD: "Class C0").

NM_006361.6(HOXB13):c.95C>T (p.Pro32Leu)

Gene: HOXB13 (homeobox B13; minus strand). Cytogenetic location: 17q21.32.
Variant type: single nucleotide variant.
Coding change: c.95C>T on transcript NM_006361.6 (MANE Select); coding-DNA position 95, C replaced by T.
Protein change: p.Pro32Leu; replaces proline 32 with leucine.
Molecular consequence: missense variant.
Genome position (GRCh38, 1-based): chr17:48,728,499, G>A on the plus strand (C>T on the coding strand, the complement: HOXB13 is on the minus strand). VCF-style: chr17-48728499-G-A. GRCh37 (hg19) VCF-style: chr17-46805861-G-A.
Other names: c.95C>T (NM_006361.5); short protein forms P32L.
Identifiers: ClinVar variation 1389924 (VCV001389924.9), dbSNP rs2143075154, ClinGen allele CA400109412.